The following is an entry in ClinVar:

NM_001909.5(CTSD):c.1199ACA[2] (p.Asn402del)

Gene: CTSD (cathepsin D; minus strand). Cytogenetic location: 11p15.5.
Variant type: Microsatellite.
Coding change: c.1199ACA[2] on transcript NM_001909.5 (MANE Select); two copies in a row of the 3-base unit ACA starting at c.1199; the reference has three copies in a row; one copy, 3 bases deleted.
Protein change: p.Asn402del; deletes asparagine 402.
Molecular consequence: inframe deletion.
Genome position (GRCh38, 1-based): chr11:1,753,535-1,753,537, TGT deleted on the plus strand (ACA on the coding strand, the reverse complement: CTSD is on the minus strand); deleting any 3 consecutive bases within chr11:1,753,535-1,753,543 gives the same sequence; the position shown is the placement nearest the transcript's 3' end. VCF-style (leftmost placement, unchanged base first): chr11-1753534-CTGT-C. GRCh37 (hg19) VCF-style: chr11-1774764-CTGT-C.
Other names: short protein forms N402del.
Identifiers: ClinVar variation 1369662 (VCV001369662.4), dbSNP rs2133657126, ClinGen allele CA2580616895.

ClinVar aggregate classification (germline): Uncertain significance. Review status: criteria provided, multiple submitters, no conflicts (2 of 4 stars). 2 submissions from 2 submitters: Uncertain significance (2). Last evaluated 2023-01-24.

Conditions:
Neuronal ceroid lipofuscinosis. Also called: Neuronal Ceroid Lipofuscinoses. Identifiers: Orphanet 216, Orphanet 79263, MedGen C0027877, MONDO:0016295. Disease mechanism: loss of function.

Submissions (2):

Blueprint Genetics
Classification: Uncertain significance. Last evaluated: 2023-01-24. Review status: criteria provided, single submitter. Criteria: ACMG Guidelines, 2015. Collection method: clinical testing. Allele origin: germline.

Labcorp Genetics (formerly Invitae), Labcorp
Classification: Uncertain significance for Neuronal ceroid lipofuscinosis. Last evaluated: 2022-05-14. Review status: criteria provided, single submitter. Criteria: Invitae Variant Classification Sherloc (09022015). Collection method: clinical testing. Allele origin: germline.
Comment: This variant, c.1205_1207del, results in the deletion of 1 amino acid(s) of the CTSD protein (p.Asn402del), but otherwise preserves the integrity of the reading frame. This variant is not present in population databases (gnomAD no frequency). This variant has not been reported in the literature in individuals affected with CTSD-related conditions. Experimental studies and prediction algorithms are not available or were not evaluated, and the functional significance of this variant is currently unknown. In summary, the available evidence is currently insufficient to determine the role of this variant in disease. Therefore, it has been classified as a Variant of Uncertain Significance.